The following is an entry in ClinVar:

ClinVar aggregate classification (germline): Pathogenic. Review status: criteria provided, multiple submitters, no conflicts (2 of 4 stars). 5 submissions from 5 submitters: Pathogenic (4). 1 of the submissions does not count toward it. Last evaluated 2025-10-03.

Conditions:
Cholesteryl ester storage disease (CESD). Also called: Childhood/Adult-Onset LAL-D (Cholesterol Ester Storage Disease [CESD]). Identifiers: Orphanet 75234, MedGen C0008384, MONDO:0019149, OMIM 278000.
Wolman disease (WOLD). Also called: Wolman disease, CESD; LYSOSOMAL ACID LIPASE DEFICIENCY, ACUTE INFANTILE; LYSOSOMAL ACID LIPASE DEFICIENCY, COMPLETE; LIPA DEFICIENCY, COMPLETE; LAL DEFICIENCY, COMPLETE; CHOLESTEROL ESTER HYDROLASE DEFICIENCY, COMPLETE. Identifiers: Orphanet 75233, MedGen C0043208, MONDO:0019148, OMIM 620151.
Lysosomal acid lipase deficiency. Also called: Acid cholesteryl ester hydrolase deficiency, type 2. Identifiers: Orphanet 275761, MedGen C5574740, MONDO:0800449, MONDO:0010204.

Submissions (5):

Labcorp Genetics (formerly Invitae), Labcorp
Classification: Pathogenic for Wolman disease. Last evaluated: 2025-10-03. Review status: criteria provided, single submitter. Criteria: Invitae Variant Classification Sherloc (09022015). Collection method: clinical testing. Allele origin: germline.
Comment: This sequence change creates a premature translational stop signal (p.Phe228Leufs*13) in the LIPA gene. It is expected to result in an absent or disrupted protein product. Loss-of-function variants in LIPA are known to be pathogenic (PMID: 23485521). This variant is present in population databases (rs770074196, gnomAD 0.007%). This premature translational stop signal has been observed in individuals with cholesteryl ester storage disease (PMID: 10562460, 10627498). ClinVar contains an entry for this variant (Variation ID: 553192). Algorithms developed to predict the effect of variants on gene product structure and function are not available or were not evaluated for this variant. Experimental studies have shown that this premature translational stop signal affects LIPA function (PMID: 29196158). For these reasons, this variant has been classified as Pathogenic.

Mayo Clinic Laboratories, Mayo Clinic
Classification: Pathogenic. Last evaluated: 2025-07-31. Review status: criteria provided, single submitter. Criteria: ACMG Guidelines, 2015. Collection method: clinical testing. Allele origin: germline. Observed: 1 variant allele.
Comment: PP1, PM2_supporting, PM3, PS3_moderate, PVS1

Natera, Inc.
Classification: Pathogenic for Lysosomal acid lipase deficiency. Last evaluated: 2025-06-26. Review status: criteria provided, single submitter. Criteria: Natera Variant Classification Schema (03/2026). Collection method: clinical testing. Allele origin: germline.
Comment: The c.684delT variant in LIPA is a frameshift variant predicted to shift the reading frame beginning at codon 228 and leads to a stop codon 13 codons downstream. This variant is expected to result in nonsense mediated decay, truncation, or a dysfunctional protein product. This variant is rare in the general population with a frequency below the threshold expected for the associated phenotype(s). This variant has been observed in one or more individuals affected with the associated recessive disease, as either homozygous or compound heterozygous with a second variant (PMID: 10562460). Given the available evidence, this variant is classified as Pathogenic.

GENinCode PLC
Classification: Pathogenic for Lysosomal acid lipase deficiency. Last evaluated: 2024-05-11. Review status: criteria provided, single submitter. Criteria: ACMG Guidelines, 2015. Collection method: clinical testing. Allele origin: germline.
Comment: The c.684del p.(Phe228LeufsTer13) variant in LIPA is a frameshift variant that is predicted to undergo nonsense mediated decay in a gene where loss-of-function is an established disease mechanism (PVS1_VERY STRONG). This variant has been detected in multiple individuals with a clinical diagnosis of Lysosomal Acid Lipase Deficiency who also carried a second pathogenic/ likely pathogenic LIPA variant (PM3_STRONG, PP4_SUPPORTING; PMIDs 10562460, 10627498, 31412917, 34020687). The highest population minor allele frequency in gnomAD v2.1.1 is 0.00001763 in European (non-Finnish) population (PM2_MODERATE). Functional studies demonstrate impaired LAL enzyme activity (PS3_STRONG; PMIDs 10562460, 29196158, 31180157). Based on the evidence listed above, this variant has been classified as pathogenic.

Counsyl
Classification: Pathogenic for Cholesteryl ester storage disease. Last evaluated: 2017-08-04. Review status: no assertion criteria provided. Collection method: clinical testing. Allele origin: unknown. Not counted in ClinVar's aggregate classification.

Literature cited by the submitters: PubMed 23485521 (cited by Labcorp Genetics (formerly Invitae), Labcorp and GENinCode PLC); PubMed 10562460 (cited by 5 submitters); PubMed 10627498 (cited by Labcorp Genetics (formerly Invitae), Labcorp and GENinCode PLC); PubMed 29196158 (cited by 3 submitters); PubMed 24993530 (cited by GENinCode PLC and Counsyl); PubMed 31412917 (cited by GENinCode PLC); PubMed 31180157 (cited by GENinCode PLC); PubMed 34020687 (cited by GENinCode PLC).

NM_000235.4(LIPA):c.684del (p.Phe228fs)

Gene: LIPA (lipase A, lysosomal acid type; minus strand). Cytogenetic location: 10q23.31.
Variant type: Deletion.
Coding change: c.684del on transcript NM_000235.4 (MANE Select); coding-DNA position 684, one base deleted (T; older notation c.684delT).
Protein change: p.Phe228fs; shifts the reading frame from phenylalanine 228.
Molecular consequence: frameshift variant.
Genome position (GRCh38, 1-based): chr10:89,223,822, A deleted on the plus strand (T on the coding strand, the reverse complement: LIPA is on the minus strand); the first of 3 consecutive A bases (chr10:89,223,822-89,223,824); deleting any one gives the same sequence. VCF-style (leftmost placement, unchanged base first): chr10-89223821-CA-C. GRCh37 (hg19) VCF-style: chr10-90983578-CA-C.
Other names: p.Phe228Leufs*13; c.684delT (NM_000235.4, NM_000235.3); c.684del, p.Phe228fs (NM_001127605.3); c.336del, p.Phe112fs (NM_001288979.2); short protein forms F112fs, F228fs.
Identifiers: ClinVar variation 553192 (VCV000553192.17), dbSNP rs770074196, ClinGen allele CA5593635.